The following is an entry in ClinVar:

NM_000038.6(APC):c.6898_6900del (p.Ser2300del)

Gene: APC (APC regulator of Wnt signaling pathway; plus strand). Cytogenetic location: 5q22.2.
Variant type: Deletion.
Coding change: c.6898_6900del on transcript NM_000038.6 (MANE Select); coding-DNA positions 6898 to 6900, 3 bases deleted (TCT; older notation c.6898_6900delTCT).
Protein change: p.Ser2300del; deletes serine 2300.
Molecular consequence: inframe deletion.
Genome position (GRCh38, 1-based): chr5:112,842,492-112,842,494, TCT deleted; deleting any 3 consecutive bases within chr5:112,842,490-112,842,494 gives the same sequence; the c. name uses the placement nearest the transcript's 3' end. VCF-style (leftmost placement, unchanged base first): chr5-112842489-CCTT-C. GRCh37 (hg19) VCF-style: chr5-112178186-CCTT-C.
Other names: c.6898_6900del, p.Ser2300del (NM_001127510.3, NM_001354895.2); c.6844_6846del, p.Ser2282del (NM_001127511.3); c.6952_6954del, p.Ser2318del (NM_001354896.2); c.6928_6930del, p.Ser2310del (NM_001354897.2); c.6823_6825del, p.Ser2275del (NM_001354898.2); c.6814_6816del, p.Ser2272del (NM_001354899.2); c.6775_6777del, p.Ser2259del (NM_001354900.2); c.6721_6723del, p.Ser2241del (NM_001354901.2); and 6 more; short protein forms S2282del, S2300del, S2259del, S2272del, S2174del, S2241del, S2275del, S2310del.
Identifiers: ClinVar variation 470069 (VCV000470069.17), dbSNP rs1554087834, ClinGen allele CA658656000.

ClinVar aggregate classification (germline): Uncertain significance. Review status: criteria provided, multiple submitters, no conflicts (2 of 4 stars). 4 submissions from 4 submitters: Uncertain significance (4). Last evaluated 2025-11-10.

Conditions:
Familial adenomatous polyposis 1 (FAP1). Also called: POLYPOSIS, ADENOMATOUS INTESTINAL; FAMILIAL ADENOMATOUS POLYPOSIS 1, ATTENUATED. Identifiers: MedGen C2713442, MONDO:0021056, OMIM 175100. Disease mechanism: loss of function.
Classic or attenuated familial adenomatous polyposis. Identifiers: MedGen CN372698, MONDO:0021057.
Hereditary cancer-predisposing syndrome. Also called: Hereditary neoplastic syndrome; Neoplastic Syndromes, Hereditary; Tumor predisposition; Hereditary Cancer Syndrome. Identifiers: Orphanet 140162, MedGen C0027672, MeSH D009386, MONDO:0015356.

Submissions (4):

Labcorp Genetics (formerly Invitae), Labcorp
Classification: Uncertain significance for Familial adenomatous polyposis 1. Last evaluated: 2025-11-10. Review status: criteria provided, single submitter. Criteria: Invitae Variant Classification Sherloc (09022015). Collection method: clinical testing. Allele origin: germline.
Comment: This variant, c.6898_6900del, results in the deletion of 1 amino acid(s) of the APC protein (p.Ser2300del), but otherwise preserves the integrity of the reading frame. This variant is not present in population databases (gnomAD no frequency). This variant has not been reported in the literature in individuals affected with APC-related conditions. ClinVar contains an entry for this variant (Variation ID: 470069). Experimental studies and prediction algorithms are not available or were not evaluated, and the functional significance of this variant is currently unknown. In summary, the available evidence is currently insufficient to determine the role of this variant in disease. Therefore, it has been classified as a Variant of Uncertain Significance.

Quest Diagnostics Nichols Institute San Juan Capistrano
Classification: Uncertain significance. Last evaluated: 2025-07-24. Review status: criteria provided, single submitter. Criteria: Quest Diagnostics criteria. Collection method: clinical testing. Allele origin: unknown.
Comment: The APC c.6898_6900del (p.Ser2300del) variant has not been reported in individuals with APC-related conditions in the published literature. This variant has not been reported in large, multi-ethnic general populations (Genome Aggregation Database). Based on the available information, we are unable to determine the clinical significance of this variant.

Ambry Genetics
Classification: Uncertain significance for Hereditary cancer-predisposing syndrome. Last evaluated: 2023-12-09. Review status: criteria provided, single submitter. Criteria: Ambry Variant Classification Scheme 2023. Collection method: clinical testing. Allele origin: germline.
Comment: The c.6898_6900delTCT variant (also known as p.S2300del) is located in coding exon 15 of the APC gene. This variant results from an in-frame TCT deletion at nucleotide positions 6898 to 6900. This results in the in-frame deletion of a serine at codon 2300. This amino acid position is highly conserved in available vertebrate species. In addition, the in silico prediction for this alteration is inconclusive (Choi Y et al. PLoS ONE. 2012; 7(10):e46688). Since supporting evidence is limited at this time, the clinical significance of this alteration remains unclear.

All of Us Research Program, National Institutes of Health
Classification: Uncertain significance for Classic or attenuated familial adenomatous polyposis. Last evaluated: 2023-09-17. Review status: criteria provided, single submitter. Criteria: ACMG Guidelines, 2015. Collection method: clinical testing. Allele origin: germline. Inheritance: Autosomal dominant inheritance. Observed: 2 variant alleles, 2 heterozygotes.
Comment: This variant causes an in-frame deletion of one amino acid of the APC protein. To our knowledge, functional studies have not been reported for this variant. This variant has not been reported in individuals affected with APC-related disorders in the literature. This variant has not been identified in the general population by the Genome Aggregation Database (gnomAD). The available evidence is insufficient to determine the role of this variant in disease conclusively. Therefore, this variant is classified as a Variant of Uncertain Significance.

This study involves interpretation of variants in research participants for the purpose of population health screening. Participant phenotype was not available at the time of variant classification. Additional details can be found in publication PMID: 35346344, PMCID: PMC8962531